The following is an entry in ClinVar:

NM_002880.4(RAF1):c.730A>C (p.Ser244Arg)

Gene: RAF1 (Raf-1 proto-oncogene, serine/threonine kinase; minus strand). Cytogenetic location: 3p25.2.
Variant type: single nucleotide variant.
Coding change: c.730A>C on transcript NM_002880.4 (MANE Select); coding-DNA position 730, A replaced by C.
Protein change: p.Ser244Arg; replaces serine 244 with arginine.
Molecular consequence: missense variant. On other transcripts: non-coding transcript variant (3).
Genome position (GRCh38, 1-based): chr3:12,604,240, T>G on the plus strand (A>C on the coding strand, the complement: RAF1 is on the minus strand). VCF-style: chr3-12604240-T-G. GRCh37 (hg19) VCF-style: chr3-12645739-T-G.
Other names: c.388A>C, p.Ser130Arg (NM_001354695.3); c.730A>C, p.Ser244Arg (NM_001354689.3, NM_001354690.3); c.487A>C, p.Ser163Arg (NM_001354691.3, NM_001354692.3, NM_001354694.3); c.631A>C, p.Ser211Arg (NM_001354693.3); short protein forms S163R, S244R, S130R, S211R.
Identifiers: ClinVar variation 3020433 (VCV003020433.3), dbSNP rs2470340425, ClinGen allele CA351512855.

ClinVar aggregate classification (germline): Uncertain significance (1 of 4 stars; one submission).

Conditions:
RASopathy. Also called: Noonan spectrum disorder; rasopathies. Identifiers: Orphanet 536391, MedGen C5555857, MONDO:0021060.

Allele frequency attached by ClinVar (database versions not stated): gnomAD exomes below 0.00001.
gnomAD v4.1: 1 of 1,614,172 alleles (0.000062%); highest among the groups gnomAD compares: South Asian, 0.0011%; no homozygotes.

Submission:

Labcorp Genetics (formerly Invitae), Labcorp
Classification: Uncertain significance for RASopathy. Last evaluated: 2024-01-16. Review status: criteria provided, single submitter. Criteria: Invitae Variant Classification Sherloc (09022015). Collection method: clinical testing. Allele origin: germline.
Comment: This sequence change replaces serine, which is neutral and polar, with arginine, which is basic and polar, at codon 244 of the RAF1 protein (p.Ser244Arg). This variant is not present in population databases (gnomAD no frequency). This variant has not been reported in the literature in individuals affected with RAF1-related conditions. Advanced modeling of protein sequence and biophysical properties (such as structural, functional, and spatial information, amino acid conservation, physicochemical variation, residue mobility, and thermodynamic stability) performed at Invitae indicates that this missense variant is not expected to disrupt RAF1 protein function with a negative predictive value of 95%. In summary, the available evidence is currently insufficient to determine the role of this variant in disease. Therefore, it has been classified as a Variant of Uncertain Significance.